The following is an entry in ClinVar:

NM_000053.4(ATP7B):c.148G>A (p.Gly50Ser)

Gene: ATP7B (ATPase copper transporting beta; minus strand). Cytogenetic location: 13q14.3.
Variant type: single nucleotide variant.
Coding change: c.148G>A on transcript NM_000053.4 (MANE Select); coding-DNA position 148, G replaced by A.
Protein change: p.Gly50Ser; replaces glycine 50 with serine.
Molecular consequence: missense variant.
Genome position (GRCh38, 1-based): chr13:51,975,072, C>T on the plus strand (G>A on the coding strand, the complement: ATP7B is on the minus strand). VCF-style: chr13-51975072-C-T. GRCh37 (hg19) VCF-style: chr13-52549208-C-T.
Other names: c.52G>A, p.Gly18Ser (NM_001406517.1, NM_001406518.1, NM_001406530.1 and 4 more transcripts); c.148G>A, p.Gly50Ser (NM_001406519.1, NM_001406520.1, NM_001406521.1 and 30 more transcripts); short protein forms G18S, G50S.
Identifiers: ClinVar variation 3385888 (VCV003385888.3).

ClinVar aggregate classification (germline): Uncertain significance. Review status: criteria provided, multiple submitters, no conflicts (2 of 4 stars). 3 submissions from 3 submitters: Uncertain significance (3). Last evaluated 2025-06-23.

Conditions:
Wilson disease (WND). Also called: Wilson's disease. Identifiers: Orphanet 905, MedGen C0019202, MONDO:0010200, OMIM 277900. Disease mechanism: loss of function.

gnomAD v4.1: 1 of 1,614,238 alleles (0.000062%); highest among the groups gnomAD compares: Admixed American, 0.0017%; no homozygotes.

Submissions (3):

Color Diagnostics, LLC DBA Color Health
Classification: Uncertain significance for Wilson disease. Last evaluated: 2025-06-23. Review status: criteria provided, single submitter. Criteria: ACMG Guidelines, 2015. Collection method: clinical testing. Allele origin: germline.
Comment: This missense variant replaces glycine with serine at codon 50 of the ATP7B protein. Computational prediction suggests that this variant may not impact protein structure and function. To our knowledge, functional studies have not been reported for this variant. This variant has not been reported in individuals affected with ATP7B-related disorders in the literature. This variant has not been identified in the general population by the Genome Aggregation Database (gnomAD). The available evidence is insufficient to determine the role of this variant in disease conclusively. Therefore, this variant is classified as a Variant of Uncertain Significance.

All of Us Research Program, National Institutes of Health
Classification: Uncertain significance for Wilson disease. Last evaluated: 2024-06-11. Review status: criteria provided, single submitter. Criteria: ACMG Guidelines, 2015. Collection method: clinical testing. Allele origin: germline. Inheritance: Autosomal recessive inheritance. Observed: 1 variant allele, 1 heterozygote.
Comment: This study involves interpretation of variants in research participants for the purpose of population health screening. Participant phenotype was not available at the time of variant classification. Additional details can be found in publication PMID: 35346344, PMCID: PMC8962531

Fulgent Genetics
Classification: Uncertain significance for Wilson disease. Last evaluated: 2024-01-22. Review status: criteria provided, single submitter. Criteria: ACMG Guidelines, 2015. Collection method: clinical testing. Allele origin: germline.